The following is an entry in ClinVar:

ClinVar aggregate classification (germline): Uncertain significance. Review status: criteria provided, multiple submitters, no conflicts (2 of 4 stars). 3 submissions from 3 submitters: Uncertain significance (3). Last evaluated 2025-03-05.

Conditions:
COACH syndrome 3. Identifiers: MedGen C5436841, MONDO:0030862, OMIM 619113.
Meckel syndrome, type 5 (MKS5). Identifiers: Orphanet 564, MedGen C1969052, MONDO:0012695, OMIM 611561.
Joubert syndrome 7 (JBTS7). Identifiers: Orphanet 220497, MedGen C1969053, MONDO:0012694, OMIM 611560.
RPGRIP1L-related disorder. Also called: RPGRIP1L-related disorders; RPGRIP1L-related condition. Identifiers: MedGen CN239416.
Meckel-Gruber syndrome. Also called: DYSENCEPHALIA SPLANCHNOCYSTICA; GRUBER SYNDROME; Dysencephalia splachnocystica. Identifiers: Orphanet 564, MedGen C0265215, MONDO:0018921.
Joubert syndrome. Also called: JOUBERT-BOLTSHAUSER SYNDROME; Familial aplasia of the vermis. Identifiers: Orphanet 475, MedGen C5979921, MONDO:0018772.

Submissions (3):

PreventionGenetics, part of Exact Sciences
Classification: Uncertain significance for RPGRIP1L-related condition. Last evaluated: 2025-03-05. Review status: criteria provided, single submitter. Criteria: ACMG Guidelines, 2015. Collection method: clinical testing. Allele origin: germline.
Comment: The RPGRIP1L c.3493A>G variant is predicted to result in the amino acid substitution p.Met1165Val. To our knowledge, this variant has not been reported in the literature or in a large population database (gnomAD), indicating this variant is rare. At this time, the clinical significance of this variant is uncertain due to the absence of conclusive functional and genetic evidence.

Labcorp Genetics (formerly Invitae), Labcorp
Classification: Uncertain significance for Joubert syndrome; Meckel-Gruber syndrome. Last evaluated: 2023-10-13. Review status: criteria provided, single submitter. Criteria: Invitae Variant Classification Sherloc (09022015). Collection method: clinical testing. Allele origin: germline.
Comment: This sequence change replaces methionine, which is neutral and non-polar, with valine, which is neutral and non-polar, at codon 1165 of the RPGRIP1L protein (p.Met1165Val). This variant is not present in population databases (gnomAD no frequency). This variant has not been reported in the literature in individuals affected with RPGRIP1L-related conditions. ClinVar contains an entry for this variant (Variation ID: 1407852). Advanced modeling of protein sequence and biophysical properties (such as structural, functional, and spatial information, amino acid conservation, physicochemical variation, residue mobility, and thermodynamic stability) performed at Invitae indicates that this missense variant is not expected to disrupt RPGRIP1L protein function. In summary, the available evidence is currently insufficient to determine the role of this variant in disease. Therefore, it has been classified as a Variant of Uncertain Significance.

Department of Pathology and Laboratory Medicine, Sinai Health System
Classification: Uncertain significance for Joubert syndrome 7; Meckel syndrome, type 5; COACH syndrome 3. Last evaluated: 2022-05-13. Review status: criteria provided, single submitter. Criteria: ACMG Guidelines, 2015. Collection method: research. Allele origin: germline.

NM_015272.5(RPGRIP1L):c.3493A>G (p.Met1165Val)

Gene: RPGRIP1L (RPGRIP1 like; minus strand). Cytogenetic location: 16q12.2.
Variant type: single nucleotide variant.
Coding change: c.3493A>G on transcript NM_015272.5 (MANE Select); coding-DNA position 3493, A replaced by G.
Protein change: p.Met1165Val; replaces methionine 1165 with valine.
Molecular consequence: missense variant.
Genome position (GRCh38, 1-based): chr16:53,619,148, T>C on the plus strand (A>G on the coding strand, the complement: RPGRIP1L is on the minus strand). VCF-style: chr16-53619148-T-C. GRCh37 (hg19) VCF-style: chr16-53653060-T-C.
Other names: c.3493A>G (NM_015272.4); c.3253A>G, p.Met1085Val (NM_001127897.4); c.3355A>G, p.Met1119Val (NM_001308334.3); c.3391A>G, p.Met1131Val (NM_001330538.2); short protein forms M1119V, M1131V, M1165V, M1085V.
Identifiers: ClinVar variation 1407852 (VCV001407852.10), dbSNP rs2150964658, ClinGen allele CA395923590.